The following is an entry in ClinVar:

NM_021625.5(TRPV4):c.2473G>C (p.Val825Leu)

Gene: TRPV4 (transient receptor potential cation channel subfamily V member 4; minus strand). Cytogenetic location: 12q24.11.
Variant type: single nucleotide variant.
Coding change: c.2473G>C on transcript NM_021625.5 (MANE Select); coding-DNA position 2473, G replaced by C.
Protein change: p.Val825Leu; replaces valine 825 with leucine.
Molecular consequence: missense variant.
Genome position (GRCh38, 1-based): chr12:109,783,764, C>G on the plus strand (G>C on the coding strand, the complement: TRPV4 is on the minus strand). VCF-style: chr12-109783764-C-G. GRCh37 (hg19) VCF-style: chr12-110221569-C-G.
Other names: c.2293G>C, p.Val765Leu (NM_147204.3); c.2332G>C, p.Val778Leu (NM_001177428.2); c.2371G>C, p.Val791Leu (NM_001177431.2); c.2152G>C, p.Val718Leu (NM_001177433.2); short protein forms V718L, V765L, V778L, V791L, V825L.
Identifiers: ClinVar variation 1010058 (VCV001010058.9), dbSNP rs1889497846, ClinGen allele CA386648639.
Genomic context (GRCh38, chr12:109,783,764, plus strand): 5'-GAGGCACCACCACCTCGTCCGGGTTCGAGTTCTTGTTCAGTTCCACCACGCGGGGTACCA[C>G]CGAGGACCAGCGATCTGCACCGAGAGCACATCAGAGGGAGGGGTGGGGGTTGGTGGAGAG-3'
Protein context (NP_067638.3, residues 815-835): GRLRRDRWSS[Val825Leu]VPRVVELNKN

ClinVar aggregate classification (germline): Uncertain significance (1 of 4 stars; one submission).

Conditions:
Charcot-Marie-Tooth disease axonal type 2C (HMSN2C). Also called: Charcot-Marie-Tooth Disease Type 2, TRPV4-Related (CMT2C); CHARCOT-MARIE-TOOTH DISEASE, AXONAL, AUTOSOMAL DOMINANT, TYPE 2C; Charcot-Marie-Tooth Neuropathy Type 2C. Identifiers: Orphanet 99937, MedGen C1853710, MONDO:0011633, OMIM 606071.

Submission:

Labcorp Genetics (formerly Invitae), Labcorp
Classification: Uncertain significance for Charcot-Marie-Tooth disease axonal type 2C. Last evaluated: 2020-01-10. Review status: criteria provided, single submitter. Criteria: Invitae Variant Classification Sherloc (09022015). Collection method: clinical testing. Allele origin: germline.
Comment: This sequence change replaces valine with leucine at codon 825 of the TRPV4 protein (p.Val825Leu). The valine residue is moderately conserved and there is a small physicochemical difference between valine and leucine. This variant is not present in population databases (ExAC no frequency). This variant has not been reported in the literature in individuals with TRPV4-related conditions. Algorithms developed to predict the effect of missense changes on protein structure and function (SIFT, PolyPhen-2, Align-GVGD) all suggest that this variant is likely to be tolerated, but these predictions have not been confirmed by published functional studies and their clinical significance is uncertain. In summary, the available evidence is currently insufficient to determine the role of this variant in disease. Therefore, it has been classified as a Variant of Uncertain Significance.